The following is an entry in ClinVar:

ClinVar aggregate classification (germline): Uncertain significance (1 of 4 stars; one submission).

Allele frequency attached by ClinVar (database versions not stated): gnomAD exomes below 0.00001.
gnomAD v4.1: 2 of 1,612,712 alleles (0.00012%); highest among the groups gnomAD compares: Non-Finnish European, 0.00017%; no homozygotes.

Submission:

Labcorp Genetics (formerly Invitae), Labcorp
Classification: Uncertain significance. Last evaluated: 2022-04-04. Review status: criteria provided, single submitter. Criteria: Invitae Variant Classification Sherloc (09022015). Collection method: clinical testing. Allele origin: germline.
Comment: This sequence change falls in intron 3 of the MCPH1 gene. It does not directly change the encoded amino acid sequence of the MCPH1 protein. It affects a nucleotide within the consensus splice site. This variant is not present in population databases (gnomAD no frequency). This variant has not been reported in the literature in individuals affected with MCPH1-related conditions. Variants that disrupt the consensus splice site are a relatively common cause of aberrant splicing (PMID: 17576681, 9536098). Algorithms developed to predict the effect of sequence changes on RNA splicing suggest that this variant is not likely to affect RNA splicing. In summary, the available evidence is currently insufficient to determine the role of this variant in disease. Therefore, it has been classified as a Variant of Uncertain Significance.

Literature cited by the submitters: PubMed 17576681; PubMed 9536098.

NM_024596.5(MCPH1):c.233+6C>T

Gene: MCPH1 (microcephalin 1; plus strand). Cytogenetic location: 8p23.1.
Variant type: single nucleotide variant.
Coding change: c.233+6C>T on transcript NM_024596.5 (MANE Select); 6 bases into the intron after coding-DNA position 233, C replaced by T.
Molecular consequence: intron variant.
Genome position (GRCh38, 1-based): chr8:6,414,889, C>T. VCF-style: chr8-6414889-C-T. GRCh37 (hg19) VCF-style: chr8-6272410-C-T.
Other names: c.233+6C>T (NM_001322042.2, NM_001363980.2, NM_001363979.1 and 2 more transcripts); c.227+6C>T (NM_001322043.2); c.131+6C>T (NM_001322045.2).
Identifiers: ClinVar variation 1948295 (VCV001948295.5), dbSNP rs2486143006, ClinGen allele CA2513022965.